The following is an entry in ClinVar:

NM_002968.3(SALL1):c.3685G>A (p.Asp1229Asn)

Gene: SALL1 (spalt like transcription factor 1; minus strand). Cytogenetic location: 16q12.1.
Variant type: single nucleotide variant.
Coding change: c.3685G>A on transcript NM_002968.3 (MANE Select); coding-DNA position 3685, G replaced by A.
Protein change: p.Asp1229Asn; replaces aspartic acid 1229 with asparagine.
Molecular consequence: missense variant.
Genome position (GRCh38, 1-based): chr16:51,137,402, C>T on the plus strand (G>A on the coding strand, the complement: SALL1 is on the minus strand). VCF-style: chr16-51137402-C-T. GRCh37 (hg19) VCF-style: chr16-51171313-C-T.
Other names: c.3394G>A, p.Asp1132Asn (NM_001127892.2); short protein forms D1132N, D1229N.
Identifiers: ClinVar variation 1703436 (VCV001703436.11), dbSNP rs201147024, ClinGen allele CA8052853.

ClinVar aggregate classification (germline): Conflicting classifications of pathogenicity. Review status: criteria provided, conflicting classifications (1 of 4 stars). 5 submissions from 5 submitters: Uncertain significance (4); Likely benign (1). Last evaluated 2025-09-02.

Conditions:
SALL1-related disorder. Also called: SALL1-related condition.
Inborn genetic diseases. Identifiers: MedGen C0950123, MeSH D030342.
Townes syndrome (TBS). Also called: Townes-Brocks syndrome. Identifiers: Orphanet 857, MedGen C0265246, MeSH C536974, MONDO:0007142.

Allele frequency attached by ClinVar (database versions not stated): ExAC 0.00005; TOPMed 0.00009; gnomAD 0.00011; ESP Exome Variant Server 0.00015; 1000 Genomes Project 30x 0.00016; gnomAD exomes 0.00016; 1000 Genomes Project 0.00020.
gnomAD v4.1: 248 of 1,614,146 alleles (0.015%); highest among the groups gnomAD compares: Non-Finnish European, 0.019%; no homozygotes.

Submissions (5):

PreventionGenetics, part of Exact Sciences
Classification: Uncertain significance for SALL1-related condition. Last evaluated: 2025-09-02. Review status: criteria provided, single submitter. Criteria: ACMG Guidelines, 2015. Collection method: clinical testing. Allele origin: germline.
Comment: The SALL1 c.3685G>A variant is predicted to result in the amino acid substitution p.Asp1229Asn. To our knowledge, this variant has not been reported in the literature. This variant is reported in 0.0077% of alleles in individuals of European (non-Finnish) descent in gnomAD. At this time, the clinical significance of this variant is uncertain due to the absence of conclusive functional and genetic evidence.

Laboratory of Genetics, Children's Clinical University Hospital Latvia
Classification: Likely benign. Last evaluated: 2025-02-16. Review status: criteria provided, single submitter. Criteria: ACMG Guidelines, 2015. Collection method: clinical testing. Allele origin: germline. Affected: yes.

GeneDx
Classification: Uncertain significance. Last evaluated: 2025-01-16. Review status: criteria provided, single submitter. Criteria: GeneDx Variant Classification Process June 2021. Collection method: clinical testing. Allele origin: germline.
Comment: In silico analysis supports that this missense variant has a deleterious effect on protein structure/function; Has not been previously published as pathogenic or benign to our knowledge

Labcorp Genetics (formerly Invitae), Labcorp
Classification: Uncertain significance for Townes syndrome. Last evaluated: 2024-01-04. Review status: criteria provided, single submitter. Criteria: Invitae Variant Classification Sherloc (09022015). Collection method: clinical testing. Allele origin: germline.
Comment: This sequence change replaces aspartic acid, which is acidic and polar, with asparagine, which is neutral and polar, at codon 1229 of the SALL1 protein (p.Asp1229Asn). This variant is present in population databases (rs201147024, gnomAD 0.006%). This variant has not been reported in the literature in individuals affected with SALL1-related conditions. ClinVar contains an entry for this variant (Variation ID: 1703436). An algorithm developed to predict the effect of missense changes on protein structure and function (PolyPhen-2) suggests that this variant is likely to be disruptive. In summary, the available evidence is currently insufficient to determine the role of this variant in disease. Therefore, it has been classified as a Variant of Uncertain Significance.

Ambry Genetics
Classification: Uncertain significance for Inborn genetic diseases. Last evaluated: 2021-07-09. Review status: criteria provided, single submitter. Criteria: Ambry Variant Classification Scheme 2023. Collection method: clinical testing. Allele origin: germline.